The following is an entry in ClinVar:

ClinVar aggregate classification (germline): Uncertain significance (1 of 4 stars; one submission).

Submission:

Labcorp Genetics (formerly Invitae), Labcorp
Classification: Uncertain significance. Last evaluated: 2025-05-28. Review status: criteria provided, single submitter. Criteria: Invitae Variant Classification Sherloc (09022015). Collection method: clinical testing. Allele origin: germline.
Comment: This sequence change replaces glutamine, which is neutral and polar, with lysine, which is basic and polar, at codon 1784 of the DCHS1 protein (p.Gln1784Lys). This variant is not present in population databases (gnomAD no frequency). This variant has not been reported in the literature in individuals affected with DCHS1-related conditions. Invitae Evidence Modeling of protein sequence and biophysical properties (such as structural, functional, and spatial information, amino acid conservation, physicochemical variation, residue mobility, and thermodynamic stability) indicates that this missense variant is not expected to disrupt DCHS1 protein function with a negative predictive value of 95%. In summary, the available evidence is currently insufficient to determine the role of this variant in disease. Therefore, it has been classified as a Variant of Uncertain Significance.

NM_003737.4(DCHS1):c.5350C>A (p.Gln1784Lys)

Gene: DCHS1 (dachsous cadherin-related 1; minus strand). Cytogenetic location: 11p15.4.
Variant type: single nucleotide variant.
Coding change: c.5350C>A on transcript NM_003737.4 (MANE Select); coding-DNA position 5350, C replaced by A.
Protein change: p.Gln1784Lys; replaces glutamine 1784 with lysine.
Molecular consequence: missense variant.
Genome position (GRCh38, 1-based): chr11:6,628,642, G>T on the plus strand (C>A on the coding strand, the complement: DCHS1 is on the minus strand). VCF-style: chr11-6628642-G-T. GRCh37 (hg19) VCF-style: chr11-6649873-G-T.
Other names: short protein forms Q1784K.
Identifiers: ClinVar variation 4803244 (VCV004803244.1).